The following is an entry in ClinVar:

NM_152393.4(KLHL40):c.1616C>T (p.Pro539Leu)

Gene: KLHL40 (kelch like family member 40; plus strand). Cytogenetic location: 3p22.1.
Variant type: single nucleotide variant.
Coding change: c.1616C>T on transcript NM_152393.4 (MANE Select); coding-DNA position 1616, C replaced by T.
Protein change: p.Pro539Leu; replaces proline 539 with leucine.
Molecular consequence: missense variant.
Genome position (GRCh38, 1-based): chr3:42,690,867, C>T. VCF-style: chr3-42690867-C-T. GRCh37 (hg19) VCF-style: chr3-42732359-C-T.
Other names: c.1616C>T (NM_152393.2); short protein forms P539L.
Identifiers: ClinVar variation 1014870 (VCV001014870.6), dbSNP rs780261738, ClinGen allele CA2337037.

ClinVar aggregate classification (germline): Uncertain significance. Review status: criteria provided, multiple submitters, no conflicts (2 of 4 stars). 2 submissions from 2 submitters: Uncertain significance (2). Last evaluated 2025-08-21.

Conditions:
Nemaline myopathy 8 (NEM8). Also called: Nemaline myopathy 8, autosomal recessive. Identifiers: Orphanet 171430, MedGen C3809209, MONDO:0014138, OMIM 615348.
Inborn genetic diseases. Identifiers: MedGen C0950123, MeSH D030342.

Allele frequency attached by ClinVar (database versions not stated): gnomAD 0.00001; gnomAD exomes 0.00001 and 0.00002; TOPMed 0.00001; ExAC 0.00002.
gnomAD v4.1: 14 of 1,606,208 alleles (0.00087%); highest among the groups gnomAD compares: South Asian, 0.0011%; no homozygotes.

Submissions (2):

Labcorp Genetics (formerly Invitae), Labcorp
Classification: Uncertain significance for Nemaline myopathy 8. Last evaluated: 2025-08-21. Review status: criteria provided, single submitter. Criteria: Invitae Variant Classification Sherloc (09022015). Collection method: clinical testing. Allele origin: germline.
Comment: This sequence change replaces proline, which is neutral and non-polar, with leucine, which is neutral and non-polar, at codon 539 of the KLHL40 protein (p.Pro539Leu). This variant is present in population databases (rs780261738, gnomAD 0.01%). This variant has not been reported in the literature in individuals affected with KLHL40-related conditions. ClinVar contains an entry for this variant (Variation ID: 1014870). Invitae Evidence Modeling of protein sequence and biophysical properties (such as structural, functional, and spatial information, amino acid conservation, physicochemical variation, residue mobility, and thermodynamic stability) indicates that this missense variant is not expected to disrupt KLHL40 protein function with a negative predictive value of 80%. In summary, the available evidence is currently insufficient to determine the role of this variant in disease. Therefore, it has been classified as a Variant of Uncertain Significance.

Ambry Genetics
Classification: Uncertain significance for Inborn genetic diseases. Last evaluated: 2022-10-03. Review status: criteria provided, single submitter. Criteria: Ambry Variant Classification Scheme 2023. Collection method: clinical testing. Allele origin: germline.